The following is an entry in ClinVar:

ClinVar aggregate classification (germline): Uncertain significance. Review status: criteria provided, multiple submitters, no conflicts (2 of 4 stars). 2 submissions from 2 submitters: Uncertain significance (2). Last evaluated 2024-05-15.

Conditions:
Lafora disease. Also called: Epilepsy progressive myoclonic 2; Progressive Myoclonus Epilepsy, Lafora Type. Identifiers: Orphanet 501, MedGen C0751783, MONDO:0009697.

Allele frequency attached by ClinVar (database versions not stated): gnomAD exomes below 0.00001; TOPMed below 0.00001; gnomAD 0.00001.

Submissions (2):

Labcorp Genetics (formerly Invitae), Labcorp
Classification: Uncertain significance for Lafora disease. Last evaluated: 2024-05-15. Review status: criteria provided, single submitter. Criteria: Invitae Variant Classification Sherloc (09022015). Collection method: clinical testing. Allele origin: germline.
Comment: This sequence change replaces proline, which is neutral and non-polar, with arginine, which is basic and polar, at codon 264 of the NHLRC1 protein (p.Pro264Arg). This variant is not present in population databases (gnomAD no frequency). This variant has not been reported in the literature in individuals affected with NHLRC1-related conditions. ClinVar contains an entry for this variant (Variation ID: 206191). Advanced modeling of protein sequence and biophysical properties (such as structural, functional, and spatial information, amino acid conservation, physicochemical variation, residue mobility, and thermodynamic stability) performed at Invitae indicates that this missense variant is expected to disrupt NHLRC1 protein function with a positive predictive value of 80%. In summary, the available evidence is currently insufficient to determine the role of this variant in disease. Therefore, it has been classified as a Variant of Uncertain Significance.

GeneDx
Classification: Uncertain significance. Last evaluated: 2014-04-23. Review status: criteria provided, single submitter. Criteria: GeneDx Variant Classification (06012015). Collection method: clinical testing. Allele origin: germline. Affected: yes.
Comment: p.Pro264Arg (CCC>CGC): c.791 C>G in exon 1 of the NHLRC1 gene (NM_198586.2) A variant of unknown significance has been identified in the NHLRC1 gene. The P264R variant has not been published as a mutation, nor has it been reported as a benign polymorphism to our knowledge. It was not observed in approximately 6,500 individuals of European and African American ancestry in the NHLBI Exome Sequencing Project, indicating it is not a common benign variant in these populations. This variant is a non-conservative amino acid substitution, which is likely to impact secondary protein structure as these residues differ in polarity, charge, size and/or other properties. This substitution occurs at a position in the NHL4 domain that is conserved across species, and missense mutations in nearby residues (L261P and P264H) have been reported in association with Lafora disease (Gomez-Abad et al., 2005), supporting the functional importance of this region of the protein. In silico analysis predicts this variant is probably damaging to the protein structure/function. Therefore, based on the currently available information, it is unclear whether this variant is a pathogenic mutation or a rare benign variant. The variant is found in EPILEPSY panel(s).

NM_198586.3(NHLRC1):c.791C>G (p.Pro264Arg)

Gene: NHLRC1 (NHL repeat containing E3 ubiquitin protein ligase 1; minus strand). Cytogenetic location: 6p22.3.
Variant type: single nucleotide variant.
Coding change: c.791C>G on transcript NM_198586.3 (MANE Select); coding-DNA position 791, C replaced by G.
Protein change: p.Pro264Arg; replaces proline 264 with arginine.
Molecular consequence: missense variant.
Genome position (GRCh38, 1-based): chr6:18,121,816, G>C on the plus strand (C>G on the coding strand, the complement: NHLRC1 is on the minus strand). VCF-style: chr6-18121816-G-C. GRCh37 (hg19) VCF-style: chr6-18122047-G-C.
Other names: p.P264R:CCC>CGC; short protein forms P264R.
Identifiers: ClinVar variation 206191 (VCV000206191.7), dbSNP rs796052756, ClinGen allele CA316038.
Genomic context (GRCh38, chr6:18,121,816, plus strand): 5'-GCCAGGGGGTGCTCCAGGACCGCAATGGCCCCGGTGAGCCAAGACACTGCCACCCCTCGG[G>C]GATTGCACAGATGAGCTTGCAACCTTTCAGTTCTCCGAAGGACCCCTTCCGCGAAGTCGA-3'
Protein context (NP_940988.2, residues 254-274): TERLQAHLCN[Pro264Arg]RGVAVSWLTG